The following is an entry in ClinVar:

ClinVar aggregate classification (germline): Uncertain significance (1 of 4 stars; one submission).

Submission:

Women's Health and Genetics/Laboratory Corporation of America, LabCorp
Classification: Uncertain significance. Last evaluated: 2024-09-25. Review status: criteria provided, single submitter. Criteria: LabCorp Variant Classification Summary - May 2015. Collection method: clinical testing. Allele origin: germline.
Comment: Variant summary: CHD3 c.5928G>T (p.Met1976Ile) results in a conservative amino acid change in the encoded protein sequence. Four of four in-silico tools predict a benign effect of the variant on protein function. The variant allele was found at a frequency of 4e-06 in 251378 control chromosomes. The available data on variant occurrences in the general population are insufficient to allow any conclusion about variant significance. To our knowledge, no occurrence of c.5928G>T in individuals affected with Snijders Blok-Campeau Syndrome and no experimental evidence demonstrating its impact on protein function have been reported. No submitters have cited clinical-significance assessments for this variant to ClinVar. Based on the evidence outlined above, the variant was classified as uncertain significance.

NM_001005273.3(CHD3):c.5928G>T (p.Met1976Ile)

Gene: CHD3 (chromodomain helicase DNA binding protein 3; plus strand). Cytogenetic location: 17p13.1.
Variant type: single nucleotide variant.
Coding change: c.5928G>T on transcript NM_001005273.3 (MANE Select); coding-DNA position 5928, G replaced by T.
Protein change: p.Met1976Ile; replaces methionine 1976 with isoleucine.
Molecular consequence: missense variant.
Genome position (GRCh38, 1-based): chr17:7,911,510, G>T. VCF-style: chr17-7911510-G-T. GRCh37 (hg19) VCF-style: chr17-7814828-G-T.
Other names: c.6105G>T, p.Met2035Ile (NM_001005271.3); c.5826G>T, p.Met1942Ile (NM_005852.4); short protein forms M1942I, M1976I, M2035I.
Identifiers: ClinVar variation 3375196 (VCV003375196.1).